The following is an entry in ClinVar:

ClinVar aggregate classification (germline): Uncertain significance (1 of 4 stars; one submission).

Conditions:
Long QT syndrome (LQTS). Identifiers: MedGen C0023976, MeSH D008133, MONDO:0002442. Disease mechanism: loss of function. Inheritance: Various modes of inheritance.

Allele frequency attached by ClinVar (database versions not stated): gnomAD exomes below 0.00001.
gnomAD v4.1: 2 of 1,600,118 alleles (0.00012%); highest among the groups gnomAD compares: African/African-American, 0.0013%; no homozygotes.

Submission:

Labcorp Genetics (formerly Invitae), Labcorp
Classification: Uncertain significance for Long QT syndrome. Last evaluated: 2025-03-27. Review status: criteria provided, single submitter. Criteria: Invitae Variant Classification Sherloc (09022015). Collection method: clinical testing. Allele origin: germline.
Comment: This sequence change falls in intron 10 of the AKAP9 gene. It does not directly change the encoded amino acid sequence of the AKAP9 protein. This variant is not present in population databases (gnomAD no frequency). This variant has not been reported in the literature in individuals affected with AKAP9-related conditions. ClinVar contains an entry for this variant (Variation ID: 942936). Algorithms developed to predict the effect of sequence changes on RNA splicing suggest that this variant may create or strengthen a splice site. In summary, the available evidence is currently insufficient to determine the role of this variant in disease. Therefore, it has been classified as a Variant of Uncertain Significance.

NM_005751.5(AKAP9):c.3613-4A>G

Gene: AKAP9 (A-kinase anchoring protein 9; plus strand). Cytogenetic location: 7q21.2.
Variant type: single nucleotide variant.
Coding change: c.3613-4A>G on transcript NM_005751.5 (MANE Select); 4 bases into the intron before coding-DNA position 3613, A replaced by G.
Molecular consequence: intron variant.
Genome position (GRCh38, 1-based): chr7:92,016,125, A>G. VCF-style: chr7-92016125-A-G. GRCh37 (hg19) VCF-style: chr7-91645439-A-G.
Other names: c.3613-4A>G (NM_147185.3).
Identifiers: ClinVar variation 942936 (VCV000942936.9), dbSNP rs1056194624, ClinGen allele CA161885363.